The following is an entry in ClinVar:

ClinVar aggregate classification (germline): Uncertain significance. Review status: criteria provided, multiple submitters, no conflicts (2 of 4 stars). 3 submissions from 3 submitters: Uncertain significance (3). Last evaluated 2024-04-30.

Conditions:
Inborn genetic diseases. Identifiers: MedGen C0950123, MeSH D030342.
Fanconi anemia complementation group P. Also called: SLX4-Related Fanconi Anemia. Identifiers: Orphanet 84, MedGen C3469542, MONDO:0013499, OMIM 613951.
Fanconi anemia (FA). Also called: Fanconi's anemia. Identifiers: Orphanet 84, MedGen C0015625, MeSH D005199, MONDO:0019391.

Allele frequency attached by ClinVar (database versions not stated): gnomAD exomes 0.00001 and 0.00002; ExAC 0.00003; TOPMed 0.00009; gnomAD 0.00010 and 0.00011.
gnomAD v4.1: 33 of 1,610,968 alleles (0.002%); highest among the groups gnomAD compares: African/African-American, 0.027%; no homozygotes.

Submissions (3):

Labcorp Genetics (formerly Invitae), Labcorp
Classification: Uncertain significance for Fanconi anemia. Last evaluated: 2024-04-30. Review status: criteria provided, single submitter. Criteria: Invitae Variant Classification Sherloc (09022015). Collection method: clinical testing. Allele origin: germline.
Comment: This sequence change replaces valine, which is neutral and non-polar, with methionine, which is neutral and non-polar, at codon 779 of the SLX4 protein (p.Val779Met). This variant is present in population databases (rs768126392, gnomAD 0.02%). This variant has not been reported in the literature in individuals affected with SLX4-related conditions. ClinVar contains an entry for this variant (Variation ID: 1444434). Algorithms developed to predict the effect of missense changes on protein structure and function output the following: SIFT: "Not Available"; PolyPhen-2: "Possibly Damaging"; Align-GVGD: "Not Available". The methionine amino acid residue is found in multiple mammalian species, which suggests that this missense change does not adversely affect protein function. In summary, the available evidence is currently insufficient to determine the role of this variant in disease. Therefore, it has been classified as a Variant of Uncertain Significance.

Fulgent Genetics
Classification: Uncertain significance for Fanconi anemia complementation group P. Last evaluated: 2024-03-29. Review status: criteria provided, single submitter. Criteria: ACMG Guidelines, 2015. Collection method: clinical testing. Allele origin: germline.

Ambry Genetics
Classification: Uncertain significance for Inborn genetic diseases. Last evaluated: 2024-02-17. Review status: criteria provided, single submitter. Criteria: Ambry Variant Classification Scheme 2023. Collection method: clinical testing. Allele origin: germline.

NM_032444.4(SLX4):c.2335G>A (p.Val779Met)

Gene: SLX4 (SLX4 structure-specific endonuclease subunit; minus strand). Cytogenetic location: 16p13.3.
Variant type: single nucleotide variant.
Coding change: c.2335G>A on transcript NM_032444.4 (MANE Select); coding-DNA position 2335, G replaced by A.
Protein change: p.Val779Met; replaces valine 779 with methionine.
Molecular consequence: missense variant.
Genome position (GRCh38, 1-based): chr16:3,591,303, C>T on the plus strand (G>A on the coding strand, the complement: SLX4 is on the minus strand). VCF-style: chr16-3591303-C-T. GRCh37 (hg19) VCF-style: chr16-3641304-C-T.
Other names: c.2335G>A (NM_032444.2); short protein forms V779M.
Identifiers: ClinVar variation 1444434 (VCV001444434.11), dbSNP rs768126392, ClinGen allele CA7866175.